The following is an entry in ClinVar:

ClinVar aggregate classification (germline): Uncertain significance. Review status: criteria provided, multiple submitters, no conflicts (2 of 4 stars). 3 submissions from 3 submitters: Uncertain significance (3). Last evaluated 2025-05-19.

Conditions:
Hearing impairment. Also called: Impaired Hearing. Identifiers: MedGen C1384666, MONDO:0005365, HP:0000365.

Allele frequency attached by ClinVar (database versions not stated): gnomAD exomes 0.00009.
gnomAD v4.1: 81 of 1,533,516 alleles (0.0053%); highest among the groups gnomAD compares: Admixed American, 0.016%; no homozygotes.

Submissions (3):

GeneDx
Classification: Uncertain significance. Last evaluated: 2025-05-19. Review status: criteria provided, single submitter. Criteria: GeneDx Variant Classification Process June 2021. Collection method: clinical testing. Allele origin: germline. Affected: yes.
Comment: In silico analysis supports that this missense variant has a deleterious effect on protein structure/function; Has not been previously published as pathogenic or benign to our knowledge

Blueprint Genetics
Classification: Uncertain significance. Last evaluated: 2024-09-24. Review status: criteria provided, single submitter. Criteria: ACMG Guidelines, 2015. Collection method: clinical testing. Allele origin: germline.

Department of Otolaryngology – Head & Neck Surgery, Cochlear Implant Center
Classification: Uncertain significance for Hearing impairment. Last evaluated: 2021-04-12. Review status: criteria provided, single submitter. Criteria: ClinGen HL ACMG Specifications v1. Collection method: clinical testing. Allele origin: germline. Affected: yes.
Comment: PM2_Moderate, PP3_Supporting

NM_001199799.2(ILDR1):c.655C>T (p.Arg219Cys)

Gene: ILDR1 (immunoglobulin like domain containing receptor 1; minus strand). Cytogenetic location: 3q13.33.
Variant type: single nucleotide variant.
Coding change: c.655C>T on transcript NM_001199799.2 (MANE Select); coding-DNA position 655, C replaced by T.
Protein change: p.Arg219Cys; replaces arginine 219 with cysteine.
Molecular consequence: missense variant. On other transcripts: intron variant (1).
Genome position (GRCh38, 1-based): chr3:121,994,305, G>A on the plus strand (C>T on the coding strand, the complement: ILDR1 is on the minus strand). VCF-style: chr3-121994305-G-A. GRCh37 (hg19) VCF-style: chr3-121713152-G-A.
Other names: c.388C>T, p.Arg130Cys (NM_001199800.2); c.647-335C>T (NM_175924.4); short protein forms R130C, R219C.
Identifiers: ClinVar variation 1064911 (VCV001064911.6), dbSNP rs1365655840, ClinGen allele CA354144842.